The following is an entry in ClinVar:

ClinVar aggregate classification (germline): Uncertain significance (1 of 4 stars; one submission).

gnomAD v4.1: 4 of 1,612,352 alleles (0.00025%); highest among the groups gnomAD compares: African/African-American, 0.004%; no homozygotes.

Submission:

GeneDx
Classification: Uncertain significance. Last evaluated: 2026-03-03. Review status: criteria provided, single submitter. Criteria: GeneDx Variant Classification Process June 2021. Collection method: clinical testing. Allele origin: germline.
Comment: Not observed at significant frequency in large population cohorts (gnomAD); In silico analysis supports that this missense variant has a deleterious effect on protein structure/function; Has not been previously published as pathogenic or benign to our knowledge

NM_001378328.1(CELSR1):c.2251G>T (p.Asp751Tyr)

Gene: CELSR1 (cadherin EGF LAG seven-pass G-type receptor 1; minus strand). Cytogenetic location: 22q13.31.
Variant type: single nucleotide variant.
Coding change: c.2251G>T on transcript NM_001378328.1 (MANE Select); coding-DNA position 2251, G replaced by T.
Protein change: p.Asp751Tyr; replaces aspartic acid 751 with tyrosine.
Molecular consequence: missense variant.
Genome position (GRCh38, 1-based): chr22:46,534,920, C>A on the plus strand (G>T on the coding strand, the complement: CELSR1 is on the minus strand). VCF-style: chr22-46534920-C-A. GRCh37 (hg19) VCF-style: chr22-46930817-C-A.
Other names: c.2251G>T, p.Asp751Tyr (NM_014246.4); short protein forms D751Y.
Identifiers: ClinVar variation 5008260 (VCV005008260.1).
Genomic context (GRCh38, chr22:46,534,920, plus strand): 5'-GCGACCGTGTGCCGTCGGATGCTGTCACCGCCAGCACGTACTGCTGCTCCTGCTTGTAGT[C>A]CAGAGGTAGCGCCAGGGTGATGAGGCCGCCCCCTCTCTGGCTGCTGAGTGCAAAGCGGTT-3'
Protein context (NP_001365257.1, residues 741-761): GGLITLALPL[Asp751Tyr]YKQEQQYVLA